The following is an entry in ClinVar:

ClinVar aggregate classification (germline): Uncertain significance (1 of 4 stars; one submission).

Conditions:
Familial cancer of breast. Also called: hereditary breast carcinoma; BREAST CANCER, FAMILIAL; Hereditary breast cancer. Identifiers: Orphanet 227535, MedGen C0346153, MONDO:0016419, OMIM 114480. Disease mechanism: loss of function.

Submission:

Labcorp Genetics (formerly Invitae), Labcorp
Classification: Uncertain significance for Familial cancer of breast. Last evaluated: 2025-05-18. Review status: criteria provided, single submitter. Criteria: Invitae Variant Classification Sherloc (09022015). Collection method: clinical testing. Allele origin: germline.
Comment: This sequence change replaces arginine, which is basic and polar, with threonine, which is neutral and polar, at codon 132 of the CHEK2 protein (p.Arg132Thr). This variant is not present in population databases (gnomAD no frequency). This variant has not been reported in the literature in individuals affected with CHEK2-related conditions. An algorithm developed to predict the effect of missense changes on protein structure and function outputs the following: PolyPhen-2: "Benign". The threonine amino acid residue is found in multiple mammalian species, which suggests that this missense change does not adversely affect protein function. In summary, the available evidence is currently insufficient to determine the role of this variant in disease. Therefore, it has been classified as a Variant of Uncertain Significance.

NM_007194.4(CHEK2):c.395G>C (p.Arg132Thr)

Gene: CHEK2 (checkpoint kinase 2; minus strand). Cytogenetic location: 22q12.1.
Variant type: single nucleotide variant.
Coding change: c.395G>C on transcript NM_007194.4 (MANE Select); coding-DNA position 395, G replaced by C.
Protein change: p.Arg132Thr; replaces arginine 132 with threonine.
Molecular consequence: missense variant. On other transcripts: 5 prime UTR variant (2).
Genome position (GRCh38, 1-based): chr22:28,725,292, C>G on the plus strand (G>C on the coding strand, the complement: CHEK2 is on the minus strand). VCF-style: chr22-28725292-C-G. GRCh37 (hg19) VCF-style: chr22-29121280-C-G.
Other names: c.-383G>C (NM_001257387.3); c.395G>C, p.Arg132Thr (NM_001349956.3, NM_145862.3); c.-269G>C (NM_001437942.1); c.488G>C, p.Arg163Thr (NM_001438293.1, NM_001438295.1); c.524G>C, p.Arg175Thr (NM_001438294.1, NM_001005735.3); short protein forms R132T, R163T, R175T.
Identifiers: ClinVar variation 4719723 (VCV004719723.1).